The following is an entry in ClinVar:

ClinVar aggregate classification (germline): Uncertain significance (1 of 4 stars; one submission).

Conditions:
Aortic valve disease 2 (AOVD2). Identifiers: MedGen C3542024, MONDO:0013902, OMIM 614823.

gnomAD v4.1: 3 of 1,508,704 alleles (0.0002%); highest among the groups gnomAD compares: Non-Finnish European, 0.00026%; no homozygotes.

Submission:

New York Genome Center
Classification: Uncertain significance for Aortic valve disease 2. Last evaluated: 2021-02-19. Review status: criteria provided, single submitter. Criteria: NYGC Assertion Criteria 2020. Collection method: clinical testing. Allele origin: inherited. Observed: 1 heterozygote. Study: CSER-NYCKidSeq.
Comment: The inherited c.785A>T (p.Asn262Ile)missense variant at the conserved MH1 domain in exon 1of 4 of SMAD6 has not been reported in affected individuals in the available literature. The variant is absent in gnomADv3 and gnomaAD v2 indicating it is not a common benign variant in the populations represented in these databases. In silico predictors suggest this variant is Damaging (Provean; score:-7.27; SIFT; score:0). Given the lack of functional evidence supporting its pathogenicity, the c.785A>T (p.Asn262Ile) variant identified in the SMAD6 gene is reported as a Variant of Uncertain Significance.

NM_005585.5(SMAD6):c.785A>T (p.Asn262Ile)

Gene: SMAD6 (SMAD family member 6; plus strand). Cytogenetic location: 15q22.31.
Variant type: single nucleotide variant.
Coding change: c.785A>T on transcript NM_005585.5 (MANE Select); coding-DNA position 785, A replaced by T.
Protein change: p.Asn262Ile; replaces asparagine 262 with isoleucine.
Molecular consequence: missense variant. On other transcripts: non-coding transcript variant (1).
Genome position (GRCh38, 1-based): chr15:66,704,043, A>T. VCF-style: chr15-66704043-A-T. GRCh37 (hg19) VCF-style: chr15-66996381-A-T.
Other names: short protein forms N262I.
Identifiers: ClinVar variation 1341812 (VCV001341812.1), dbSNP rs1436851649, ClinGen allele CA392950244.